The following is an entry in ClinVar:

ClinVar aggregate classification (germline): Uncertain significance. Review status: criteria provided, multiple submitters, no conflicts (2 of 4 stars). 3 submissions from 3 submitters: Uncertain significance (3). Last evaluated 2025-06-13.

Conditions:
CEP164-related disorder. Also called: CEP164-related condition.
Inborn genetic diseases. Identifiers: MedGen C0950123, MeSH D030342.
Nephronophthisis 15 (NPHP15). Identifiers: Orphanet 3156, MedGen C3541853, MONDO:0013917, OMIM 614845.

Allele frequency attached by ClinVar (database versions not stated): TOPMed 0.00001.
gnomAD v4.1: 41 of 1,614,008 alleles (0.0025%); highest among the groups gnomAD compares: Admixed American, 0.0033%; no homozygotes.

Submissions (3):

PreventionGenetics, part of Exact Sciences
Classification: Uncertain significance for CEP164-related condition. Last evaluated: 2025-06-13. Review status: criteria provided, single submitter. Criteria: ACMG Guidelines, 2015. Collection method: clinical testing. Allele origin: germline.
Comment: The CEP164 c.4250G>C variant is predicted to result in the amino acid substitution p.Arg1417Pro. To our knowledge, this variant has not been reported in the literature. This variant is reported in 0.0080% of alleles in individuals of European (Finnish) descent in gnomAD. At this time, the clinical significance of this variant is uncertain due to the absence of conclusive functional and genetic evidence.

Ambry Genetics
Classification: Uncertain significance for Inborn genetic diseases. Last evaluated: 2024-12-23. Review status: criteria provided, single submitter. Criteria: Ambry Variant Classification Scheme 2023. Collection method: clinical testing. Allele origin: germline.

Labcorp Genetics (formerly Invitae), Labcorp
Classification: Uncertain significance for Nephronophthisis 15. Last evaluated: 2022-10-13. Review status: criteria provided, single submitter. Criteria: Invitae Variant Classification Sherloc (09022015). Collection method: clinical testing. Allele origin: germline.
Comment: This sequence change replaces arginine, which is basic and polar, with proline, which is neutral and non-polar, at codon 1417 of the CEP164 protein (p.Arg1417Pro). This variant is present in population databases (rs560527787, gnomAD 0.008%). This variant has not been reported in the literature in individuals affected with CEP164-related conditions. ClinVar contains an entry for this variant (Variation ID: 1044664). Advanced modeling of protein sequence and biophysical properties (such as structural, functional, and spatial information, amino acid conservation, physicochemical variation, residue mobility, and thermodynamic stability) performed at Invitae indicates that this missense variant is not expected to disrupt CEP164 protein function. In summary, the available evidence is currently insufficient to determine the role of this variant in disease. Therefore, it has been classified as a Variant of Uncertain Significance.

NM_014956.5(CEP164):c.4250G>C (p.Arg1417Pro)

Gene: CEP164 (centrosomal protein 164; plus strand). Cytogenetic location: 11q23.3.
Variant type: single nucleotide variant.
Coding change: c.4250G>C on transcript NM_014956.5 (MANE Select); coding-DNA position 4250, G replaced by C.
Protein change: p.Arg1417Pro; replaces arginine 1417 with proline.
Molecular consequence: missense variant.
Genome position (GRCh38, 1-based): chr11:117,411,881, G>C. VCF-style: chr11-117411881-G-C. GRCh37 (hg19) VCF-style: chr11-117282597-G-C.
Other names: c.4250G>C (NM_014956.4); c.4235G>C, p.Arg1412Pro (NM_001271933.2); short protein forms R1417P, R1412P.
Identifiers: ClinVar variation 1044664 (VCV001044664.6), dbSNP rs560527787, ClinGen allele CA6295767.